The following is an entry in ClinVar:

ClinVar aggregate classification (germline): Benign (1 of 4 stars; one submission).

Allele frequency attached by ClinVar (database versions not stated): gnomAD 0.53387 and 0.53966; TOPMed 0.54641; 1000 Genomes Project 0.56530; 1000 Genomes Project 30x 0.57042.
gnomAD v4.1: 81,096 of 152,014 alleles (53%); highest among the groups gnomAD compares: African/African-American, 65%; 22,337 homozygotes.

Submission:

GeneDx
Classification: Benign. Last evaluated: 2021-02-25. Review status: criteria provided, single submitter. Criteria: GeneDx Variant Classification Process June 2021. Collection method: clinical testing. Allele origin: germline. Affected: yes.
Comment: This variant is associated with the following publications: (PMID: 29642240)

NM_133478.3(SLC4A5):c.2434-214T>C

Gene: SLC4A5 (solute carrier family 4 member 5; minus strand). Cytogenetic location: 2p13.1.
Variant type: single nucleotide variant.
Coding change: c.2434-214T>C on transcript NM_133478.3 (MANE Select); 214 bases into the intron before coding-DNA position 2434, T replaced by C.
Molecular consequence: intron variant.
Genome position (GRCh38, 1-based): chr2:74,233,777, A>G on the plus strand (T>C on the coding strand, the complement: SLC4A5 is on the minus strand). VCF-style: chr2-74233777-A-G. GRCh37 (hg19) VCF-style: chr2-74460904-A-G.
Other names: c.2086-214T>C (NM_001386136.1); c.2434-214T>C (NM_021196.3).
Identifiers: ClinVar variation 1235516 (VCV001235516.3), dbSNP rs7571842, ClinGen allele CA15153274.